The following is an entry in ClinVar:

NM_001142966.3(GREB1L):c.2383T>C (p.Ser795Pro)

Gene: GREB1L (GREB1 like retinoic acid receptor coactivator; plus strand). Cytogenetic location: 18q11.1.
Variant type: single nucleotide variant.
Coding change: c.2383T>C on transcript NM_001142966.3 (MANE Select); coding-DNA position 2383, T replaced by C.
Protein change: p.Ser795Pro; replaces serine 795 with proline.
Molecular consequence: missense variant.
Genome position (GRCh38, 1-based): chr18:21,477,183, T>C. VCF-style: chr18-21477183-T-C. GRCh37 (hg19) VCF-style: chr18-19057144-T-C.
Other names: c.2512T>C, p.Ser838Pro (NM_001410867.1); c.2056T>C, p.Ser686Pro (NM_001410868.1); short protein forms S686P, S795P, S838P.
Identifiers: ClinVar variation 3036501 (VCV003036501.3), dbSNP rs555650459, ClinGen allele CA8906496.
Genomic context (GRCh38, chr18:21,477,183, plus strand): 5'-GGTTAAATGAGGTATTAATATGACTTTCAATTTTTCTACAGTGTCATTTCAGGCTCTTTG[T>C]CACATAGCGAACCCAGTCATGGGCTAGCTGATAGAGTCATTAATTGCAGAGAAGTTCTGG-3'
Protein context (NP_001136438.1, residues 785-805): ELTSVISGSL[Ser795Pro]HSEPSHGLAD

ClinVar aggregate classification (germline): Benign. Review status: criteria provided, single submitter (1 of 4 stars). 2 submissions from 2 submitters: Benign (1). 1 of the submissions does not count toward it. Last evaluated 2025-09-09.

Conditions:
GREB1L-related disorder. Also called: GREB1L-related condition.

Allele frequency attached by ClinVar (database versions not stated): TOPMed 0.00002; gnomAD 0.00010; gnomAD exomes 0.00018; 1000 Genomes Project 0.00040; 1000 Genomes Project 30x 0.00062; ExAC 0.00108.
gnomAD v4.1: 266 of 1,551,614 alleles (0.017%); highest among the groups gnomAD compares: South Asian, 0.3%; 4 homozygotes.

Submissions (2):

Labcorp Genetics (formerly Invitae), Labcorp
Classification: Benign. Last evaluated: 2025-09-09. Review status: criteria provided, single submitter. Criteria: Invitae Variant Classification Sherloc (09022015). Collection method: clinical testing. Allele origin: germline.

PreventionGenetics, part of Exact Sciences
Classification: Likely benign for GREB1L-related condition. Last evaluated: 2023-05-23. Review status: no assertion criteria provided. Collection method: clinical testing. Allele origin: germline. Not counted in ClinVar's aggregate classification.
Comment: This variant is classified as likely benign based on ACMG/AMP sequence variant interpretation guidelines (Richards et al. 2015 PMID: 25741868, with internal and published modifications).